The following is an entry in ClinVar:

NM_020975.6(RET):c.1522+29C>T

Gene: RET (ret proto-oncogene; plus strand). Cytogenetic location: 10q11.21.
Variant type: single nucleotide variant.
Coding change: c.1522+29C>T on transcript NM_020975.6 (MANE Select); 29 bases into the intron after coding-DNA position 1522, C replaced by T.
Molecular consequence: intron variant.
Genome position (GRCh38, 1-based): chr10:43,111,494, C>T. VCF-style: chr10-43111494-C-T. GRCh37 (hg19) VCF-style: chr10-43606942-C-T.
Other names: c.1522+29C>T (NM_020975.4, NM_020630.7, NM_001406743.1 and 5 more transcripts); c.1126+29C>T (NM_001406772.1, NM_001406769.1); c.1084+29C>T (NM_001406773.1, NM_001406771.1); c.626-605C>T (NM_001406782.1, NM_001406780.1, NM_001406779.1 and 3 more transcripts); c.1393+29C>T (NM_001406764.1, NM_001406762.1, NM_001406761.1 and 1 more transcripts); c.997+29C>T (NM_001406774.1); c.497-605C>T (NM_001406786.1, NM_001406783.1); c.1234+29C>T (NM_001406770.1, NM_001406766.1, NM_001406767.1); and 5 more.
Identifiers: ClinVar variation 4907093 (VCV004907093.2).
Genomic context (GRCh38, chr10:43,111,494, plus strand): 5'-GGCCCAGCTGCTTGTAACAGTGGAGGGGTCATGTGAGTGCCTGCTCCAGGGAGGGAGGGT[C>T]GGGGTCCTGGGGGCTTCTGGAGCCTGGGCCTCCTGCCCTTTGAGAAAAGCAGTACAGCTG-3'

ClinVar aggregate classification (germline): Likely benign. Review status: criteria provided, multiple submitters, no conflicts (2 of 4 stars). 2 submissions from 2 submitters: Likely benign (2). Last evaluated 2025-12-31.

Conditions:
RET-related disorder. Also called: RET-related condition; RET-related disease; RET-related disorders.

Submissions (2):

PreventionGenetics, part of Exact Sciences
Classification: Likely benign for RET-related condition. Last evaluated: 2025-12-31. Review status: criteria provided, single submitter. Criteria: ACMG Guidelines, 2015. Collection method: clinical testing. Allele origin: germline.
Comment: This variant is classified as likely benign based on ACMG/AMP sequence variant interpretation guidelines (Richards et al. 2015 PMID: 25741868, with internal and published modifications).

Blueprint Genetics
Classification: Likely benign. Last evaluated: 2024-01-16. Review status: criteria provided, single submitter. Criteria: ACMG Guidelines, 2015. Collection method: clinical testing. Allele origin: germline.